The following is an entry in ClinVar:

NM_004370.6(COL12A1):c.8415+1G>C

Gene: COL12A1 (collagen type XII alpha 1 chain; minus strand). Cytogenetic location: 6q13.
Variant type: single nucleotide variant.
Coding change: c.8415+1G>C on transcript NM_004370.6 (MANE Select); the canonical splice donor site of the intron after coding-DNA position 8415, G replaced by C.
Molecular consequence: splice donor variant.
Genome position (GRCh38, 1-based): chr6:75,102,596, C>G on the plus strand (G>C on the coding strand, the complement: COL12A1 is on the minus strand). VCF-style: chr6-75102596-C-G. GRCh37 (hg19) VCF-style: chr6-75812312-C-G.
Other names: c.4923+1G>C (NM_080645.3).
Identifiers: ClinVar variation 950749 (VCV000950749.3), dbSNP rs1768356177, ClinGen allele CA364739411.

ClinVar aggregate classification (germline): Likely pathogenic (1 of 4 stars; one submission).

Conditions:
Ullrich congenital muscular dystrophy 2 (UCMD2). Identifiers: Orphanet 75840, MedGen C4225314, MONDO:0014654, OMIM 616470.
Bethlem myopathy 2 (BTHLM2). Identifiers: Orphanet 536516, Orphanet 610, MedGen C4225313, MONDO:0034022, OMIM 616471.

Submission:

Labcorp Genetics (formerly Invitae), Labcorp
Classification: Likely pathogenic for Bethlem myopathy 2; Ullrich congenital muscular dystrophy 2. Last evaluated: 2019-06-29. Review status: criteria provided, single submitter. Criteria: Invitae Variant Classification Sherloc (09022015). Collection method: clinical testing. Allele origin: germline.
Comment: This sequence change affects a donor splice site in intron 56 of the COL12A1 gene. It is expected to disrupt RNA splicing and likely results in an absent or disrupted protein product. This variant is not present in population databases (ExAC no frequency). This variant has not been reported in the literature in individuals with COL12A1-related conditions. Donor and acceptor splice site variants typically lead to a loss of protein function (PMID: 16199547), and loss-of-function variants in COL12A1 are known to be pathogenic (PMID: 24334604, 28973083). In summary, the currently available evidence indicates that the variant is pathogenic, but additional data are needed to prove that conclusively. Therefore, this variant has been classified as Likely Pathogenic.

Literature cited by the submitters: PubMed 16199547; PubMed 24334604; PubMed 28973083.